The following is an entry in ClinVar:

NM_020987.5(ANK3):c.855dup (p.Leu286fs)

Gene: ANK3 (ankyrin 3; minus strand). Cytogenetic location: 10q21.2.
Variant type: Duplication.
Coding change: c.855dup on transcript NM_020987.5 (MANE Select); coding-DNA position 855, one base duplicated (A; older notation c.855dupA).
Protein change: p.Leu286fs; shifts the reading frame from leucine 286.
Molecular consequence: frameshift variant.
Genome position (GRCh38, 1-based): chr10:60,234,730, T duplicated on the plus strand (A on the coding strand, the reverse complement: ANK3 is on the minus strand); the first of 4 consecutive T bases (chr10:60,234,730-60,234,733); duplicating any one gives the same sequence. VCF-style (leftmost placement, unchanged base first): chr10-60234729-G-GT. GRCh37 (hg19) VCF-style: chr10-61994487-G-GT.
Other names: c.837dup, p.Leu280fs (NM_001204403.2); c.804dup, p.Leu269fs (NM_001204404.2); c.855dup, p.Leu286fs (NM_001320874.2); short protein forms L280fs, L286fs, L269fs.
Identifiers: ClinVar variation 2603741 (VCV002603741.2), dbSNP rs2493571476, ClinGen allele CA2582342676.
Genomic context (GRCh38, chr10:60,234,729, plus strand): 5'-ACATAAGTTGCACACTTACCCTGGTTTTGGCATCGATTTTAGCTCCTCGATCGAGCAATA[G>GT]TTTTACCATATTTGCATTTCCTCTTTTTGATGCAACATGTAAAGGAGTGATGTCATTCTG-3'

ClinVar aggregate classification (germline): Pathogenic (1 of 4 stars; one submission).

Conditions:
Inborn genetic diseases. Identifiers: MedGen C0950123, MeSH D030342.

Submission:

Ambry Genetics
Classification: Pathogenic for Inborn genetic diseases. Last evaluated: 2023-06-22. Review status: criteria provided, single submitter. Criteria: Ambry Variant Classification Scheme 2023. Collection method: clinical testing. Allele origin: germline.
Comment: The c.855dupA (p.L286Tfs*8) alteration, located in exon 8 (coding exon 8) of the ANK3 gene, consists of a duplication of A at position 855, causing a translational frameshift with a predicted alternate stop codon after 8 amino acids. This alteration is expected to result in loss of function by premature protein truncation or nonsense-mediated mRNA decay. This variant was not reported in population-based cohorts in the Genome Aggregation Database (gnomAD). Based on the available evidence, this alteration is classified as pathogenic.